The following is an entry in ClinVar:

ClinVar aggregate classification (germline): Uncertain significance. Review status: criteria provided, multiple submitters, no conflicts (2 of 4 stars). 2 submissions from 2 submitters: Uncertain significance (2). Last evaluated 2024-03-21.

Conditions:
Intellectual developmental disorder with neuropsychiatric features. Identifiers: MedGen C4479636, MONDO:0044322, OMIM 617532.

Allele frequency attached by ClinVar (database versions not stated): gnomAD exomes 0.00008 and 0.00024; ExAC 0.00026; gnomAD 0.00070 and 0.00073; TOPMed 0.00077; ESP Exome Variant Server 0.00085; 1000 Genomes Project 0.00100; 1000 Genomes Project 30x 0.00109.
gnomAD v4.1: 237 of 1,613,712 alleles (0.015%); highest among the groups gnomAD compares: African/African-American, 0.21%; no homozygotes.

Submissions (2):

Greenwood Genetic Center Diagnostic Laboratories, Greenwood Genetic Center
Classification: Uncertain significance. Last evaluated: 2024-03-21. Review status: criteria provided, single submitter. Criteria: ACMG Guidelines, 2015. Collection method: clinical testing. Allele origin: germline. Affected: yes.
Comment: BP4

New York Genome Center
Classification: Uncertain significance for Intellectual developmental disorder with neuropsychiatric features. Last evaluated: 2020-04-30. Review status: criteria provided, single submitter. Criteria: NYGC Assertion Criteria 2020. Collection method: clinical testing. Allele origin: germline. Observed: 1 heterozygote. Study: CSER-NYCKidSeq.

NM_001080397.3(SLC45A1):c.2009G>A (p.Arg670Gln)

Gene: SLC45A1 (solute carrier family 45 member 1; plus strand). Cytogenetic location: 1p36.23.
Variant type: single nucleotide variant.
Coding change: c.2009G>A on transcript NM_001080397.3 (MANE Select); coding-DNA position 2009, G replaced by A.
Protein change: p.Arg670Gln; replaces arginine 670 with glutamine.
Molecular consequence: missense variant.
Genome position (GRCh38, 1-based): chr1:8,343,775, G>A. VCF-style: chr1-8343775-G-A. GRCh37 (hg19) VCF-style: chr1-8403835-G-A.
Other names: c.2033G>A, p.Arg678Gln (NM_001379614.1); c.1940G>A, p.Arg647Gln (NM_001379615.1); c.1916G>A, p.Arg639Gln (NM_001379616.1); c.1427G>A, p.Arg476Gln (NM_001379617.1); c.1403G>A, p.Arg468Gln (NM_001379618.1); short protein forms R468Q, R476Q, R639Q, R647Q, R670Q, R678Q.
Identifiers: ClinVar variation 1325499 (VCV001325499.2), dbSNP rs116783930, ClinGen allele CA570617.